The following is an entry in ClinVar:

NM_001478.5(B4GALNT1):c.251C>G (p.Ser84Cys)

Gene: B4GALNT1 (beta-1,4-N-acetyl-galactosaminyltransferase 1; minus strand). Cytogenetic location: 12q13.3.
Variant type: single nucleotide variant.
Coding change: c.251C>G on transcript NM_001478.5 (MANE Select); coding-DNA position 251, C replaced by G.
Protein change: p.Ser84Cys; replaces serine 84 with cysteine.
Molecular consequence: missense variant. On other transcripts: intron variant (1).
Genome position (GRCh38, 1-based): chr12:57,631,332, G>C on the plus strand (C>G on the coding strand, the complement: B4GALNT1 is on the minus strand). VCF-style: chr12-57631332-G-C. GRCh37 (hg19) VCF-style: chr12-58025115-G-C.
Other names: c.251C>G, p.Ser84Cys (NM_001276469.2); c.219-246C>G (NM_001276468.2); short protein forms S84C.
Identifiers: ClinVar variation 939824 (VCV000939824.9), dbSNP rs1299468966, ClinGen allele CA385502041.

ClinVar aggregate classification (germline): Uncertain significance (1 of 4 stars; one submission).

Conditions:
Spastic paraplegia. Identifiers: MedGen C0037772, HP:0001258.

Allele frequency attached by ClinVar (database versions not stated): gnomAD 0.00001; gnomAD exomes 0.00001; TOPMed 0.00001.

Submission:

Labcorp Genetics (formerly Invitae), Labcorp
Classification: Uncertain significance for Spastic paraplegia. Last evaluated: 2019-07-12. Review status: criteria provided, single submitter. Criteria: Invitae Variant Classification Sherloc (09022015). Collection method: clinical testing. Allele origin: germline.
Comment: This sequence change replaces serine with cysteine at codon 84 of the B4GALNT1 protein (p.Ser84Cys). The serine residue is moderately conserved and there is a moderate physicochemical difference between serine and cysteine. This variant is not present in population databases (ExAC no frequency). This variant has not been reported in the literature in individuals with B4GALNT1-related conditions. Algorithms developed to predict the effect of missense changes on protein structure and function (SIFT, PolyPhen-2, Align-GVGD) all suggest that this variant is likely to be tolerated, but these predictions have not been confirmed by published functional studies and their clinical significance is uncertain. In summary, the available evidence is currently insufficient to determine the role of this variant in disease. Therefore, it has been classified as a Variant of Uncertain Significance.